The following is an entry in ClinVar:

NM_025137.4(SPG11):c.6410G>A (p.Arg2137Gln)

Gene: SPG11 (SPG11 vesicle trafficking associated, spatacsin; minus strand). Cytogenetic location: 15q21.1.
Variant type: single nucleotide variant.
Coding change: c.6410G>A on transcript NM_025137.4 (MANE Select); coding-DNA position 6410, G replaced by A.
Protein change: p.Arg2137Gln; replaces arginine 2137 with glutamine.
Molecular consequence: missense variant.
Genome position (GRCh38, 1-based): chr15:44,570,592, C>T on the plus strand (G>A on the coding strand, the complement: SPG11 is on the minus strand). VCF-style: chr15-44570592-C-T. GRCh37 (hg19) VCF-style: chr15-44862790-C-T.
Other names: c.6071G>A, p.Arg2024Gln (NM_001160227.2); short protein forms R2137Q, R2024Q.
Identifiers: ClinVar variation 534854 (VCV000534854.20), dbSNP rs200283964, ClinGen allele CA7534137.

ClinVar aggregate classification (germline): Conflicting classifications of pathogenicity. Review status: criteria provided, conflicting classifications (1 of 4 stars). 8 submissions from 6 submitters: Uncertain significance (7); Likely benign (1). Last evaluated 2026-08-20.

Conditions:
Amyotrophic lateral sclerosis type 5 (ALS5). Also called: AMYOTROPHIC LATERAL SCLEROSIS 5, JUVENILE. Identifiers: Orphanet 300605, MedGen C1865864, MONDO:0011196, OMIM 602099.
Hereditary spastic paraplegia 11. Also called: Spastic Paraplegia 11; Spastic paraplegia, mental retardation and thin corpus callosum; Nakamura Osame syndrome; Autosomal recessive hereditary spastic paraplegia, mental impairment, and thin corpus callosum; SPASTIC PARAPLEGIA, AUTOSOMAL RECESSIVE, COMPLICATED, WITH THIN CORPUS CALLOSUM; SPASTIC PARAPLEGIA, AUTOSOMAL RECESSIVE, WITH MENTAL IMPAIRMENT AND THIN CORPUS CALLOSUM. Identifiers: Orphanet 2822, MedGen C1858479, MONDO:0011445, OMIM 604360.
SPG11-related disorder. Also called: SPG11-related condition.
Inborn genetic diseases. Identifiers: MedGen C0950123, MeSH D030342.
Charcot-Marie-Tooth disease axonal type 2X. Also called: CHARCOT-MARIE-TOOTH DISEASE, AXONAL, AUTOSOMAL RECESSIVE, TYPE 2X; CHARCOT-MARIE-TOOTH NEUROPATHY, TYPE 2X. Identifiers: Orphanet 466775, MedGen C5569024, MONDO:0014726, OMIM 616668.

Allele frequency attached by ClinVar (database versions not stated): TOPMed 0.00004; gnomAD 0.00007; ESP Exome Variant Server 0.00008.
gnomAD v4.1: 95 of 1,613,986 alleles (0.0059%); highest among the groups gnomAD compares: Non-Finnish European, 0.0073%; no homozygotes.

Submissions (8):

PreventionGenetics, part of Exact Sciences
Classification: Uncertain significance for SPG11-related condition. Last evaluated: 2026-08-20. Review status: criteria provided, single submitter. Criteria: ACMG Guidelines, 2015. Collection method: clinical testing. Allele origin: germline.
Comment: The SPG11 c.6410G>A variant is predicted to result in the amino acid substitution p.Arg2137Gln. To our knowledge, this variant has not been reported in the literature. This variant is reported in 0.0080% of alleles in individuals of African descent in gnomAD. At this time, the clinical significance of this variant is uncertain due to the absence of conclusive functional and genetic evidence.

Labcorp Genetics (formerly Invitae), Labcorp
Classification: Likely benign for Hereditary spastic paraplegia 11. Last evaluated: 2025-11-08. Review status: criteria provided, single submitter. Criteria: Invitae Variant Classification Sherloc (09022015). Collection method: clinical testing. Allele origin: germline.

GeneDx
Classification: Uncertain significance. Last evaluated: 2023-06-09. Review status: criteria provided, single submitter. Criteria: GeneDx Variant Classification Process June 2021. Collection method: clinical testing. Allele origin: germline. Affected: yes.
Comment: Not observed at significant frequency in large population cohorts (gnomAD); In silico analysis supports that this missense variant does not alter protein structure/function; Has not been previously published as pathogenic or benign to our knowledge

Ambry Genetics
Classification: Uncertain significance for Inborn genetic diseases. Last evaluated: 2023-03-22. Review status: criteria provided, single submitter. Criteria: Ambry Variant Classification Scheme 2023. Collection method: clinical testing. Allele origin: germline.

Mayo Clinic Laboratories, Mayo Clinic
Classification: Uncertain significance. Last evaluated: 2020-12-21. Review status: criteria provided, single submitter. Criteria: ACMG Guidelines, 2015. Collection method: clinical testing. Allele origin: germline. Observed: 1 variant allele.

Genome-Nilou Lab
Classification: Uncertain significance for Amyotrophic lateral sclerosis type 5. Review status: criteria provided, single submitter. Criteria: ACMG Guidelines, 2015. Collection method: clinical testing. Allele origin: germline.

Genome-Nilou Lab
Classification: Uncertain significance for Charcot-Marie-Tooth disease axonal type 2X. Review status: criteria provided, single submitter. Criteria: ACMG Guidelines, 2015. Collection method: clinical testing. Allele origin: germline.

Genome-Nilou Lab
Classification: Uncertain significance for Hereditary spastic paraplegia 11. Review status: criteria provided, single submitter. Criteria: ACMG Guidelines, 2015. Collection method: clinical testing. Allele origin: germline.